The following is an entry in ClinVar:

NC_000002.11:g.(?_202050501)_(202082464_?)dup

Gene: CASP10 (caspase 10; plus strand). Cytogenetic location: 2q33.1.
Variant type: Duplication.
Identifiers: ClinVar variation 3247314 (VCV003247314.1).

ClinVar aggregate classification (germline): Uncertain significance (1 of 4 stars; one submission).

Conditions:
Autoimmune lymphoproliferative syndrome type 2A (ALPS2A). Also called: AUTOIMMUNE LYMPHOPROLIFERATIVE SYNDROME, TYPE IIA; CASP10-Related Autoimmune Lymphoproliferative Syndrome; Autoimmune lymphoproliferative syndrome type 2. Identifiers: Orphanet 3261, MedGen C1858968, MONDO:0011383, OMIM 603909.

Submission:

Labcorp Genetics (formerly Invitae), Labcorp
Classification: Uncertain significance for Autoimmune lymphoproliferative syndrome type 2A. Last evaluated: 2023-04-22. Review status: criteria provided, single submitter. Criteria: Invitae Variant Classification Sherloc (09022015). Collection method: clinical testing. Allele origin: unknown.
Comment: In summary, the available evidence is currently insufficient to determine the role of this variant in disease. Therefore, it has been classified as a Variant of Uncertain Significance. Experimental studies and prediction algorithms are not available or were not evaluated, and the functional significance of this variant is currently unknown. This variant has not been reported in the literature in individuals affected with CASP10-related conditions. A copy number gain of the genomic region encompassing the full coding sequence of the CASP10 gene has been identified. The boundaries of this event are unknown as they extend beyond the assayed region for this gene and therefore may encompass additional genes. As the precise location of this event is unknown, it may be in tandem or it may be located elsewhere in the genome.